The following is an entry in ClinVar:

NM_175914.5(HNF4A):c.*2761G>T

Gene: HNF4A (hepatocyte nuclear factor 4 alpha; plus strand). Cytogenetic location: 20q13.12.
Variant type: single nucleotide variant.
Coding change: c.*2761G>T on transcript NM_175914.5 (MANE Select); 2761 bases downstream of the stop codon, G replaced by T.
Molecular consequence: 3 prime UTR variant.
Genome position (GRCh38, 1-based): chr20:44,432,426, G>T. VCF-style: chr20-44432426-G-T. GRCh37 (hg19) VCF-style: chr20-43061066-G-T.
Other names: c.*2761G>T (NM_001030003.3, NM_001258355.2, NM_001287182.2 and 3 more transcripts).
Identifiers: ClinVar variation 2442319 (VCV002442319.1), dbSNP rs1212257046, ClinGen allele CA744690799.
Genomic context (GRCh38, chr20:44,432,426, plus strand): 5'-TTTGGCTACTTGAGTTGTGGTCCTAAAACATAAAATCTGATGGACAAACAGAGGGTTGCT[G>T]GGGGGACAAGCGTGGGCACAATTTCCCCACCAAGACACCCTGATCTTCAGGCGGGTCTCA-3'

ClinVar aggregate classification (germline): Benign (1 of 4 stars; one submission).

Conditions:
Maturity-onset diabetes of the young (MODY). Also called: Maturity onset diabetes mellitus in young. Identifiers: Orphanet 552, MedGen C0342276, MONDO:0018911, HP:0004904.

Allele frequency attached by ClinVar (database versions not stated): gnomAD 0.00002.

Submission:

Clinical Genomics, Uppaluri K&H Personalized Medicine Clinic
Classification: Benign for Maturity-onset diabetes of the young. Review status: criteria provided, single submitter. Criteria: K & H Uppaluri Personalized Medicine Clinic Variant Classification & Assertion Criteria_Updated V.1. Collection method: research. Allele origin: unknown. Inheritance: Autosomal dominant inheritance.
Comment: Potent mutations in HNF4A are associated with poor insulin secretion in response to hyperglycemia. Associated with MODY1. Patients initially respond well to sulfonylureas but eventually become insulin dependent. However, more evidence is required to ascertain the role of this particular variant rs1212257046 in MODY, yet.

Literature cited by the submitters: DOI 10.1159/000334532; PubMed 18268044; PubMed 17563455; PubMed 32583173; PubMed 35052457; PubMed 35118593.